The following is an entry in ClinVar:

ClinVar aggregate classification (germline): Pathogenic (1 of 4 stars; one submission).

Conditions:
COG5-congenital disorder of glycosylation. Also called: CDG IIi; COG5-CDG; CONGENITAL DISORDER OF GLYCOSYLATION, TYPE IIi. Identifiers: Orphanet 263487, MedGen C3150876, MONDO:0013325, OMIM 613612.

Submission:

Labcorp Genetics (formerly Invitae), Labcorp
Classification: Pathogenic for COG5-congenital disorder of glycosylation. Last evaluated: 2024-05-14. Review status: criteria provided, single submitter. Criteria: Invitae Variant Classification Sherloc (09022015). Collection method: clinical testing. Allele origin: germline.
Comment: This sequence change creates a premature translational stop signal (p.Leu219Phefs*4) in the COG5 gene. It is expected to result in an absent or disrupted protein product. Loss-of-function variants in COG5 are known to be pathogenic (PMID: 23228021). This variant is present in population databases (rs767387206, gnomAD 0.003%). This variant has not been reported in the literature in individuals affected with COG5-related conditions. For these reasons, this variant has been classified as Pathogenic.

Literature cited by the submitters: PubMed 23228021.

NM_006348.5(COG5):c.562del (p.Leu188fs)

Gene: COG5 (component of oligomeric golgi complex 5; minus strand). Cytogenetic location: 7q22.3.
Variant type: Deletion.
Coding change: c.562del on transcript NM_006348.5 (MANE Select); coding-DNA position 562, one base deleted (C; older notation c.562delC).
Protein change: p.Leu188fs; shifts the reading frame from leucine 188.
Molecular consequence: frameshift variant. On other transcripts: intron variant (2).
Genome position (GRCh38, 1-based): chr7:107,412,609, G deleted on the plus strand (C on the coding strand, the reverse complement: COG5 is on the minus strand). VCF-style (leftmost placement, unchanged base first): chr7-107412608-AG-A. GRCh37 (hg19) VCF-style: chr7-107053053-AG-A.
Other names: c.562del, p.Leu188fs (NM_001161520.2, NM_001379511.1, NM_001379512.1 and 3 more transcripts); c.235-50499del (NM_001379516.1); c.539-114263del (NM_001379515.1); short protein forms L188fs.
Identifiers: ClinVar variation 3653326 (VCV003653326.2).
Genomic context (GRCh38, chr7:107,412,608, plus strand): 5'-ACTTCAAGTCGGGCTCTTGCAATAAAAAGTAGATCATTTTCTATCACTTCTATTCCAGAA[AG>A]ATCTATTCCTTGAGAAAGATAATCTGTTTAAAACAAAAACATACACATTCAAATATTTCA-3'